The following is an entry in ClinVar:

ClinVar aggregate classification (germline): Benign/Likely benign. Review status: criteria provided, multiple submitters, no conflicts (2 of 4 stars). 3 submissions from 3 submitters: Benign (1); Likely benign (2). Last evaluated 2026-01-24.

Conditions:
Autosomal recessive limb-girdle muscular dystrophy type 2K. Also called: MUSCULAR DYSTROPHY-DYSTROGLYCANOPATHY (LIMB-GIRDLE), TYPE C, 1; MUSCULAR DYSTROPHY, LIMB-GIRDLE, TYPE 2K. Identifiers: Orphanet 86812, MedGen C1836373, MONDO:0012248, OMIM 609308.
Muscular dystrophy-dystroglycanopathy (congenital with impaired intellectual development), type B, 1. Also called: Muscular dystrophy-dystroglycanopathy (congenital with intellectual disability), type B1; MUSCULAR DYSTROPHY, CONGENITAL, POMT1-RELATED. Identifiers: MedGen C5436962, MONDO:0013159, OMIM 613155.
Walker-Warburg congenital muscular dystrophy. Also called: Muscular dystrophy-dystroglycanopathy, type A; Walker-Warburg syndrome. Identifiers: Orphanet 899, MedGen C0265221, MONDO:0000171.

Allele frequency attached by ClinVar (database versions not stated): 1000 Genomes Project 30x 0.00031; 1000 Genomes Project 0.00040; ESP Exome Variant Server 0.00015; gnomAD exomes 0.00030 and 0.00017; TOPMed 0.00021; ExAC 0.00040.
gnomAD v4.1: 281 of 1,604,586 alleles (0.018%); highest among the groups gnomAD compares: Middle Eastern, 0.17%; 3 homozygotes.

Submissions (3):

Labcorp Genetics (formerly Invitae), Labcorp
Classification: Benign for Muscular dystrophy-dystroglycanopathy (congenital with impaired intellectual development), type B, 1; Walker-Warburg congenital muscular dystrophy; Autosomal recessive limb-girdle muscular dystrophy type 2K. Last evaluated: 2026-01-24. Review status: criteria provided, single submitter. Criteria: Invitae Variant Classification Sherloc (09022015). Collection method: clinical testing. Allele origin: germline.

Blueprint Genetics
Classification: Likely benign. Last evaluated: 2024-10-25. Review status: criteria provided, single submitter. Criteria: ACMG Guidelines, 2015. Collection method: clinical testing. Allele origin: germline.

GeneDx
Classification: Likely benign. Last evaluated: 2017-05-08. Review status: criteria provided, single submitter. Criteria: GeneDx Variant Classification (06012015). Collection method: clinical testing. Allele origin: germline. Affected: yes.
Comment: This variant is considered likely benign or benign based on one or more of the following criteria: it is a conservative change, it occurs at a poorly conserved position in the protein, it is predicted to be benign by multiple in silico algorithms, and/or has population frequency not consistent with disease.

NM_001077365.2(POMT1):c.1175+16G>A

Gene: POMT1 (protein O-mannosyltransferase 1; plus strand). Cytogenetic location: 9q34.13.
Variant type: single nucleotide variant.
Coding change: c.1175+16G>A on transcript NM_001077365.2 (MANE Select); 16 bases into the intron after coding-DNA position 1175, G replaced by A.
Molecular consequence: intron variant.
Genome position (GRCh38, 1-based): chr9:131,513,347, G>A. VCF-style: chr9-131513347-G-A. GRCh37 (hg19) VCF-style: chr9-134388734-G-A.
Other names: c.1079+16G>A (NM_001353198.2, NM_001353197.2); c.1241+16G>A (NM_001353193.2, NM_007171.4); c.1175+16G>A (NM_001136113.2, NM_001374690.1); c.1013+16G>A (NM_001353194.2, NM_001077366.2); c.824+16G>A (NM_001374691.1, NM_001353195.2, NM_001374692.1 and 1 more transcripts); c.1085+16G>A (NM_001353196.2); c.785+16G>A (NM_001374695.1); c.1163+16G>A (NM_001374689.1); and 3 more.
Identifiers: ClinVar variation 509364 (VCV000509364.13), dbSNP rs371908251, ClinGen allele CA5293561.